The following is an entry in ClinVar:

NM_006420.3(ARFGEF2):c.4269del (p.Leu1424fs)

Gene: ARFGEF2 (ARF guanine nucleotide exchange factor 2; plus strand). Cytogenetic location: 20q13.13.
Variant type: Deletion.
Coding change: c.4269del on transcript NM_006420.3 (MANE Select); coding-DNA position 4269, one base deleted (T; older notation c.4269delT).
Protein change: p.Leu1424fs; shifts the reading frame from leucine 1424.
Molecular consequence: frameshift variant.
Genome position (GRCh38, 1-based): chr20:49,016,369, T deleted; the last of 2 consecutive T bases (chr20:49,016,368-49,016,369); deleting either gives the same sequence. VCF-style (leftmost placement, unchanged base first): chr20-49016367-GT-G. GRCh37 (hg19) VCF-style: chr20-47632904-GT-G.
Other names: short protein forms L1424fs.
Identifiers: ClinVar variation 930714 (VCV000930714.3), dbSNP rs2091529784, ClinGen allele CA1139666724.
Genomic context (GRCh38, chr20:49,016,367, plus strand): 5'-AATCACGCACTTTATGCTATTTGTGATGTTTTTACCCAGTTTTATGAAGCTTTGAATGAA[GT>G]TCTTCTTTCTGATGTATTTGCACAATTGCAGTGGTGTGTCAAACAAGGTACTCTTTAAGC-3'

ClinVar aggregate classification (germline): Likely pathogenic (1 of 4 stars; one submission).

Conditions:
Periventricular heterotopia with microcephaly, autosomal recessive (ARPHM). Also called: PERIVENTRICULAR NODULAR HETEROTOPIA 2; Periventricular heterotopia with microcephaly. Identifiers: Orphanet 2149, MedGen C1842563, MONDO:0011966, OMIM 608097.

Submission:

Centre for Mendelian Genomics, University Medical Centre Ljubljana
Classification: Likely pathogenic for Periventricular heterotopia with microcephaly, autosomal recessive. Last evaluated: 2018-12-07. Review status: criteria provided, single submitter. Criteria: ACMG Guidelines, 2015. Collection method: clinical testing. Allele origin: unknown. Affected: yes.
Comment: This variant was classified as: Likely pathogenic. The following ACMG criteria were applied in classifying this variant: PVS1,PM2.